The following is an entry in ClinVar:

NM_001451.3(FOXF1):c.225C>G (p.Tyr75Ter)

Gene: FOXF1 (forkhead box F1; plus strand). Cytogenetic location: 16q24.1.
Variant type: single nucleotide variant.
Coding change: c.225C>G on transcript NM_001451.3 (MANE Select); coding-DNA position 225, C replaced by G.
Protein change: p.Tyr75Ter; replaces tyrosine 75 with a stop codon.
Molecular consequence: nonsense.
Genome position (GRCh38, 1-based): chr16:86,510,794, C>G. VCF-style: chr16-86510794-C-G. GRCh37 (hg19) VCF-style: chr16-86544400-C-G.
Other names: short protein forms Y75*.
Identifiers: ClinVar variation 4531621 (VCV004531621.1).
Genomic context (GRCh38, chr16:86,510,794, plus strand): 5'-GCTCATCGTCATGGCCATCCAGAGTTCACCCACCAAGCGCCTGACGCTGAGCGAGATCTA[C>G]CAGTTCCTGCAGAGCCGCTTCCCCTTCTTCCGGGGCTCCTACCAGGGCTGGAAGAACTCC-3'

ClinVar aggregate classification (germline): Pathogenic (1 of 4 stars; one submission).

Conditions:
Alveolar capillary dysplasia with pulmonary venous misalignment. Also called: Alveolar capillary dysplasia with misalignment of pulmonary veins; ALVEOLAR CAPILLARY DYSPLASIA WITH MISALIGNMENT OF PULMONARY VEINS AND OTHER CONGENITAL ANOMALIES; Congenital alveolar capillary dysplasia. Identifiers: Orphanet 210122, MedGen C2960310, MONDO:0009934, OMIM 265380.

Submission:

Victorian Clinical Genetics Services, Murdoch Childrens Research Institute
Classification: Pathogenic for Alveolar capillary dysplasia with pulmonary venous misalignment. Last evaluated: 2025-10-29. Review status: criteria provided, single submitter. Criteria: ACMG Guidelines, 2015. Collection method: clinical testing. Allele origin: germline.
Comment: This variant is classified as Pathogenic. Evidence in support of pathogenic classification: Variant is predicted to cause nonsense-mediated decay (NMD) and loss of protein (premature termination codon is located at least 54 nucleotides upstream of the final exon-exon junction); Variant is absent from gnomAD (v2, v3 and v4); Other NMD-predicted variant(s) comparable to the one identified in this case have very strong previous evidence for pathogenicity (DECIPHER). Additional information: This gene is associated with autosomal dominant disease; Loss of function is a known mechanism of disease in this gene and is associated with alveolar capillary dysplasia with misalignment of pulmonary veins (MIM#265380).